The following is an entry in ClinVar:

ClinVar aggregate classification (germline): Uncertain significance (1 of 4 stars; one submission).

Conditions:
RASopathy. Also called: rasopathies; Noonan spectrum disorder. Identifiers: Orphanet 536391, MedGen C5555857, MONDO:0021060.

Submission:

Labcorp Genetics (formerly Invitae), Labcorp
Classification: Uncertain significance for RASopathy. Last evaluated: 2024-08-02. Review status: criteria provided, single submitter. Criteria: Invitae Variant Classification Sherloc (09022015). Collection method: clinical testing. Allele origin: germline.
Comment: This sequence change replaces proline, which is neutral and non-polar, with serine, which is neutral and polar, at codon 1261 of the SOS1 protein (p.Pro1261Ser). This variant is not present in population databases (gnomAD no frequency). This variant has not been reported in the literature in individuals affected with SOS1-related conditions. Advanced modeling of protein sequence and biophysical properties (such as structural, functional, and spatial information, amino acid conservation, physicochemical variation, residue mobility, and thermodynamic stability) has been performed at Invitae for this missense variant, however the output from this modeling did not meet the statistical confidence thresholds required to predict the impact of this variant on SOS1 protein function. In summary, the available evidence is currently insufficient to determine the role of this variant in disease. Therefore, it has been classified as a Variant of Uncertain Significance.

NM_005633.4(SOS1):c.3781C>T (p.Pro1261Ser)

Gene: SOS1 (SOS Ras/Rac guanine nucleotide exchange factor 1; minus strand). Cytogenetic location: 2p22.1.
Variant type: single nucleotide variant.
Coding change: c.3781C>T on transcript NM_005633.4 (MANE Select); coding-DNA position 3781, C replaced by T.
Protein change: p.Pro1261Ser; replaces proline 1261 with serine.
Molecular consequence: missense variant.
Genome position (GRCh38, 1-based): chr2:38,986,045, G>A on the plus strand (C>T on the coding strand, the complement: SOS1 is on the minus strand). VCF-style: chr2-38986045-G-A. GRCh37 (hg19) VCF-style: chr2-39213186-G-A.
Other names: c.3760C>T, p.Pro1254Ser (NM_001382394.1); c.3736C>T, p.Pro1246Ser (NM_001382395.1); short protein forms P1254S, P1261S, P1246S.
Identifiers: ClinVar variation 2729216 (VCV002729216.3), dbSNP rs1668547065, ClinGen allele CA346362332.